The following is an entry in ClinVar:

ClinVar aggregate classification (germline): Uncertain significance (1 of 4 stars; one submission).

Submission:

Ambry Genetics
Classification: Uncertain significance. Last evaluated: 2022-04-03. Review status: criteria provided, single submitter. Criteria: Ambry Variant Classification Scheme 2023. Collection method: clinical testing. Allele origin: germline.
Comment: The p.S946Y variant (also known as c.2837C>A), located in coding exon 1 of the MLH3 gene, results from a C to A substitution at nucleotide position 2837. The serine at codon 946 is replaced by tyrosine, an amino acid with dissimilar properties. This amino acid position is conserved. In addition, this alteration is predicted to be tolerated by in silico analysis. Since supporting evidence is limited at this time, the clinical significance of this alteration remains unclear.

NM_001040108.2(MLH3):c.2837C>A (p.Ser946Tyr)

Gene: MLH3 (mutL homolog 3; minus strand). Cytogenetic location: 14q24.3.
Variant type: single nucleotide variant.
Coding change: c.2837C>A on transcript NM_001040108.2 (MANE Select); coding-DNA position 2837, C replaced by A.
Protein change: p.Ser946Tyr; replaces serine 946 with tyrosine.
Molecular consequence: missense variant.
Genome position (GRCh38, 1-based): chr14:75,046,819, G>T on the plus strand (C>A on the coding strand, the complement: MLH3 is on the minus strand). VCF-style: chr14-75046819-G-T. GRCh37 (hg19) VCF-style: chr14-75513522-G-T.
Other names: c.2837C>A, p.Ser946Tyr (NM_014381.3); short protein forms S946Y.
Identifiers: ClinVar variation 1796655 (VCV001796655.2), dbSNP rs201441389, ClinGen allele CA390438148.